The following is an entry in ClinVar:

NM_014974.3(DIP2C):c.1193C>T (p.Ala398Val)

Gene: DIP2C (DIP2 acetate--CoA ligase C (putative); minus strand). Cytogenetic location: 10p15.3.
Variant type: single nucleotide variant.
Coding change: c.1193C>T on transcript NM_014974.3 (MANE Select); coding-DNA position 1193, C replaced by T.
Protein change: p.Ala398Val; replaces alanine 398 with valine.
Molecular consequence: missense variant.
Genome position (GRCh38, 1-based): chr10:399,176, G>A on the plus strand (C>T on the coding strand, the complement: DIP2C is on the minus strand). VCF-style: chr10-399176-G-A. GRCh37 (hg19) VCF-style: chr10-445116-G-A.
Other names: short protein forms A398V.
Identifiers: ClinVar variation 2084213 (VCV002084213.4), dbSNP rs779268544, ClinGen allele CA5381019.

ClinVar aggregate classification (germline): Uncertain significance (1 of 4 stars; one submission).

Allele frequency attached by ClinVar (database versions not stated): ExAC 0.00001; gnomAD 0.00001; gnomAD exomes 0.00001; TOPMed 0.00002.
gnomAD v4.1: 14 of 1,613,918 alleles (0.00087%); highest among the groups gnomAD compares: Middle Eastern, 0.016%; no homozygotes.

Submission:

Labcorp Genetics (formerly Invitae), Labcorp
Classification: Uncertain significance. Last evaluated: 2022-05-05. Review status: criteria provided, single submitter. Criteria: Invitae Variant Classification Sherloc (09022015). Collection method: clinical testing. Allele origin: germline.
Comment: This variant is present in population databases (rs779268544, gnomAD 0.01%). In summary, the available evidence is currently insufficient to determine the role of this variant in disease. Therefore, it has been classified as a Variant of Uncertain Significance. Algorithms developed to predict the effect of missense changes on protein structure and function output the following: SIFT: "Tolerated"; PolyPhen-2: "Benign"; Align-GVGD: "Class C0". The valine amino acid residue is found in multiple mammalian species, which suggests that this missense change does not adversely affect protein function. This variant has not been reported in the literature in individuals affected with DIP2C-related conditions. This sequence change replaces alanine, which is neutral and non-polar, with valine, which is neutral and non-polar, at codon 398 of the DIP2C protein (p.Ala398Val).